The following is an entry in ClinVar:

NM_004484.4(GPC3):c.318G>C (p.Gln106His)

Gene: GPC3 (glypican 3; minus strand). Cytogenetic location: Xq26.2.
Variant type: single nucleotide variant.
Coding change: c.318G>C on transcript NM_004484.4 (MANE Select); coding-DNA position 318, G replaced by C.
Protein change: p.Gln106His; replaces glutamine 106 with histidine.
Molecular consequence: missense variant. On other transcripts: intron variant (2).
Genome position (GRCh38, 1-based): chrX:133,953,069, C>G on the plus strand (G>C on the coding strand, the complement: GPC3 is on the minus strand). VCF-style: chrX-133953069-C-G. GRCh37 (hg19) VCF-style: chrX-133087096-C-G.
Other names: c.318G>C, p.Gln106His (NM_001164617.2); c.175+32206G>C (NM_001164619.2); c.289+29G>C (NM_001164618.2); short protein forms Q106H.
Identifiers: ClinVar variation 1409303 (VCV001409303.8), dbSNP rs750139856, ClinGen allele CA10520860.
Genomic context (GRCh38, chrX:133,953,069, plus strand): 5'-TGCCACTAAGCAGCACATCTAAAATAATCCCCAGAACTCACCTTGGAAAACCGCAGCATT[C>G]TGAATAATTAAGAACTTGAGCTCCATACTTGCAGACTGAAGCAGCTGTTCCATGTTCAAT-3'
Protein context (NP_004475.1, residues 96-116): ASMELKFLII[Gln106His]NAAVFQEAFE

ClinVar aggregate classification (germline): Uncertain significance (1 of 4 stars; one submission).

Conditions:
Wilms tumor 1 (WT1). Also called: Wilms tumor, somatic. Identifiers: Orphanet 654, MedGen CN033288, MONDO:0008679, OMIM 194070.

Allele frequency attached by ClinVar (database versions not stated): ExAC 0.00002; gnomAD exomes 0.00002.

Submission:

Labcorp Genetics (formerly Invitae), Labcorp
Classification: Uncertain significance for Wilms tumor 1. Last evaluated: 2021-03-07. Review status: criteria provided, single submitter. Criteria: Invitae Variant Classification Sherloc (09022015). Collection method: clinical testing. Allele origin: germline.
Comment: This variant has not been reported in the literature in individuals with GPC3-related conditions. In summary, the available evidence is currently insufficient to determine the role of this variant in disease. Therefore, it has been classified as a Variant of Uncertain Significance. Algorithms developed to predict the effect of missense changes on protein structure and function are either unavailable or do not agree on the potential impact of this missense change (SIFT: "Tolerated"; PolyPhen-2: "Probably Damaging"; Align-GVGD: "Class C0"). This variant is present in population databases (rs750139856, ExAC 0.02%), including at least one homozygous and/or hemizygous individual. This sequence change replaces glutamine with histidine at codon 106 of the GPC3 protein (p.Gln106His). The glutamine residue is moderately conserved and there is a small physicochemical difference between glutamine and histidine.